The following is an entry in ClinVar:

ClinVar aggregate classification (germline): Pathogenic. Review status: reviewed by expert panel (3 of 4 stars). 3 submissions from 3 submitters: Pathogenic (1). 2 of the submissions do not count toward it. Last evaluated 2026-01-25.

Conditions:
RPGR-related retinopathy. Also called: RPGR retinopathy. Identifiers: MedGen CN305589, MONDO:0100437.
Primary ciliary dyskinesia. Also called: Ciliary dyskinesia. Identifiers: Orphanet 244, MedGen C0008780, MONDO:0016575, HP:0012265.
Retinitis pigmentosa (RP). Identifiers: Orphanet 791, MedGen C0035334, MeSH D012174, MONDO:0019200, OMIM 268000. Inheritance: Autosomal dominant, autosomal recessive and X linked inheritance.

Submissions (4):

ClinGen X-linked Inherited Retinal Disease Variant Curation Expert Panel, ClinGen
Classification: Pathogenic for RPGR-related retinopathy. Last evaluated: 2026-01-25. Review status: reviewed by expert panel. Criteria: ClinGen X LinkedIRD ACMG Specifications RPGR V1.0.0. Collection method: curation. Allele origin: germline. Inheritance: X-linked inheritance.
Comment: NM_001034853.2(RPGR):c.1572+1G>A is a canonical splice site variant in intron 13 and is predicted to disrupt splicing and induce skipping of exon 13, which is expected to have a deleterious impact on RPGR (PVS1). This variant is absent from gnomAD v4.1.0 (PM2_Supporting). At least one proband harboring this variant exhibits a phenotype including family history consistent with X-linked inheritance (2 pts), childhood onset (1 pt), high myopia (1 pt), extinguished electroretinogram responses, photophobia (0.5 pts), visual field constriction (0.5 pts), night blindness (0.5 pts), optic disc pallor (0.5 pts), pigmentary retinopathy (0.5 pts), abnormal color vision (0.5 pts), and reduced visual acuity (0.5 pts), with genotyping by next-generation sequencing identifying no alternative basis for retinal disease (2 pts), which together are specific for RPGR-related retinopathy (9.5 points, PMID: 31456290, PP4_Moderate). This variant has been reported in at least 1 proband meeting one of the PS4 requirements of a male with some functional vision impairment by age 30 years and/or decreased or absent electroretinogram responses, or a female with functional visual abnormality and documentation of a male relative affected with retinitis pigmentosa, as well as a second apparently unrelated proband previously used for the PP4 code (PMID: 36445968, PS4_Supporting). The variant has been reported to segregate with retinal dystrophy through at least 2 affected meioses from 1 family (PP1; PMID: 31456290). In summary, this variant is classified as pathogenic for RPGR-related retinopathy based on the ClinGen X-linked Inherited Retinal Disease Expert Panel Specifications to the ACMG/AMP Variant Interpretation Guidelines for RPGR Version 1.0.0; PVS1, PM2_Supporting, PP1, PP4_Moderate, and PS4_Supporting.

Labcorp Genetics (formerly Invitae), Labcorp
Classification: Pathogenic for Primary ciliary dyskinesia. Last evaluated: 2022-11-17. Review status: criteria provided, single submitter. Criteria: Invitae Variant Classification Sherloc (09022015). Collection method: clinical testing. Allele origin: germline. Not counted in ClinVar's aggregate classification.
Comment: ClinVar contains an entry for this variant (Variation ID: 812416). Disruption of this splice site has been observed in individuals with retinitis pigmentosa (PMID: 17195164, 28322733, 31456290). This variant is not present in population databases (gnomAD no frequency). This sequence change affects a donor splice site in intron 13 of the RPGR gene. It is expected to disrupt RNA splicing. Variants that disrupt the donor or acceptor splice site typically lead to a loss of protein function (PMID: 16199547), and loss-of-function variants in RPGR are known to be pathogenic (PMID: 16055928, 16969763). Algorithms developed to predict the effect of sequence changes on RNA splicing suggest that this variant may disrupt the consensus splice site. For these reasons, this variant has been classified as Pathogenic.

Sharon lab, Hadassah-Hebrew University Medical Center
Classification: Pathogenic for Retinitis pigmentosa. Last evaluated: 2019-06-23. Review status: no assertion criteria provided. Collection method: research. Allele origin: inherited. Affected: yes. Not counted in ClinVar's aggregate classification.

Dr. Peter K. Rogan Lab, Western University
No classification provided (evidence only). Condition: Nonpapillary renal cell carcinoma. Review status: no classification provided. Collection method: in vitro. Allele origin: not applicable. Functional consequence: retained intron. Not counted in ClinVar's aggregate classification.

Literature cited by the submitters: PubMed 17195164 (cited by Labcorp Genetics (formerly Invitae), Labcorp); PubMed 28322733 (cited by Labcorp Genetics (formerly Invitae), Labcorp); PubMed 31456290 (cited by Labcorp Genetics (formerly Invitae), Labcorp); PubMed 16199547 (cited by Labcorp Genetics (formerly Invitae), Labcorp); PubMed 16055928 (cited by Labcorp Genetics (formerly Invitae), Labcorp); PubMed 16969763 (cited by Labcorp Genetics (formerly Invitae), Labcorp).

NM_001034853.2(RPGR):c.1572+1G>A

Gene: RPGR (retinitis pigmentosa GTPase regulator; minus strand). Cytogenetic location: Xp11.4.
Variant type: single nucleotide variant.
Coding change: c.1572+1G>A on transcript NM_001034853.2 (MANE Select); the canonical splice donor site of the intron after coding-DNA position 1572, G replaced by A.
Molecular consequence: splice donor variant.
Genome position (GRCh38, 1-based): chrX:38,290,958, C>T on the plus strand (G>A on the coding strand, the complement: RPGR is on the minus strand). VCF-style: chrX-38290958-C-T. GRCh37 (hg19) VCF-style: chrX-38150211-C-T.
Other names: c.1569+1G>A (NM_001367249.1, NM_001367250.1, NM_001367245.1); c.1386+1G>A (NM_001367251.1, NM_001367246.1); c.1572+1G>A (NM_001367247.1, NM_000328.3); c.1602+1G>A (NM_001367248.1).
Identifiers: ClinVar variation 812416 (VCV000812416.8), dbSNP rs1601931052, ClinGen allele CA412737551.